The following is an entry in ClinVar:

ClinVar aggregate classification (germline): Uncertain significance. Review status: criteria provided, multiple submitters, no conflicts (2 of 4 stars). 2 submissions from 2 submitters: Uncertain significance (2). Last evaluated 2026-09-17.

Conditions:
C3 glomerulonephritis. Also called: C3 GLOMERULOPATHY 3; Nephropathy due to CFHR5 Deficiency. Identifiers: Orphanet 329931, MedGen C4055342, MONDO:0013892, OMIM 614809.
Atypical hemolytic-uremic syndrome. Identifiers: Orphanet 2134, MedGen C2931788, MONDO:0016244.

Allele frequency attached by ClinVar (database versions not stated): gnomAD exomes below 0.00001.
gnomAD v4.1: 3 of 1,614,062 alleles (0.00019%); highest among the groups gnomAD compares: Non-Finnish European, 0.00025%; no homozygotes.

Submissions (2):

Genomenon, Inc
Classification: Uncertain significance for C3 glomerulonephritis; Atypical hemolytic-uremic syndrome. Last evaluated: 2026-09-17. Review status: criteria provided, single submitter. Criteria: Genomenon Sequence Variant Interpretation Standards - Updated. Collection method: curation. Allele origin: germline. Affected: yes.
Comment: C3 p.Asp1426Glu (c.4278C>G) is a missense variant that changes the amino acid at codon 1426 from Aspartic acid to Glutamic acid. This variant has been observed in at least one proband affected with a C3-related disorder (PMID:29888403). It is absent or not present at a significant frequency in gnomAD. In silico models predict that this variant is possibly or probably damaging. In conclusion, we classify C3 p.Asp1426Glu (c.4278C>G) as a variant of uncertain significance.

Mayo Clinic Laboratories, Mayo Clinic
Classification: Uncertain significance. Last evaluated: 2022-09-30. Review status: criteria provided, single submitter. Criteria: ACMG Guidelines, 2015. Collection method: clinical testing. Allele origin: germline. Observed: 1 variant allele.
Comment: PM2_supporting

Literature cited by the submitters: PubMed 29888403 (cited by Genomenon, Inc and Mayo Clinic Laboratories, Mayo Clinic).

NM_000064.4(C3):c.4278C>G (p.Asp1426Glu)

Gene: C3 (complement C3; minus strand). Cytogenetic location: 19p13.3.
Variant type: single nucleotide variant.
Coding change: c.4278C>G on transcript NM_000064.4 (MANE Select); coding-DNA position 4278, C replaced by G.
Protein change: p.Asp1426Glu; replaces aspartic acid 1426 with glutamic acid.
Molecular consequence: missense variant.
Genome position (GRCh38, 1-based): chr19:6,682,013, G>C on the plus strand (C>G on the coding strand, the complement: C3 is on the minus strand). VCF-style: chr19-6682013-G-C. GRCh37 (hg19) VCF-style: chr19-6682024-G-C.
Other names: p.Asp1426Glu; short protein forms D1426E.
Identifiers: ClinVar variation 2683470 (VCV002683470.3), dbSNP rs1599498158, ClinGen allele CA403614969.